The following is an entry in ClinVar:

NM_000038.6(APC):c.1561T>G (p.Ser521Ala)

Gene: APC (APC regulator of Wnt signaling pathway; plus strand). Cytogenetic location: 5q22.2.
Variant type: single nucleotide variant.
Coding change: c.1561T>G on transcript NM_000038.6 (MANE Select); coding-DNA position 1561, T replaced by G.
Protein change: p.Ser521Ala; replaces serine 521 with alanine.
Molecular consequence: missense variant.
Genome position (GRCh38, 1-based): chr5:112,827,941, T>G. VCF-style: chr5-112827941-T-G. GRCh37 (hg19) VCF-style: chr5-112163638-T-G.
Other names: c.1561T>G, p.Ser521Ala (NM_001127510.3, NM_001354895.2, NM_001407450.1); c.1507T>G, p.Ser503Ala (NM_001127511.3); c.1615T>G, p.Ser539Ala (NM_001354896.2, NM_001407447.1, NM_001407448.1 and 1 more transcripts); c.1591T>G, p.Ser531Ala (NM_001354897.2); c.1486T>G, p.Ser496Ala (NM_001354898.2); c.1477T>G, p.Ser493Ala (NM_001354899.2); c.1438T>G, p.Ser480Ala (NM_001354900.2); c.1384T>G, p.Ser462Ala (NM_001354901.2, NM_001407453.1); and 11 more; short protein forms S137A, S238A, S361A, S392A, S395A, S420A, S430A, S438A.
Identifiers: ClinVar variation 3233122 (VCV003233122.1), dbSNP rs2533218583, ClinGen allele CA16024717.

ClinVar aggregate classification (germline): Uncertain significance (1 of 4 stars; one submission).

Conditions:
Hereditary cancer-predisposing syndrome. Also called: Neoplastic Syndromes, Hereditary; Tumor predisposition; Hereditary neoplastic syndrome; Hereditary Cancer Syndrome. Identifiers: Orphanet 140162, MedGen C0027672, MeSH D009386, MONDO:0015356.

Submission:

Ambry Genetics
Classification: Uncertain significance for Hereditary cancer-predisposing syndrome. Last evaluated: 2024-02-07. Review status: criteria provided, single submitter. Criteria: Ambry Variant Classification Scheme 2023. Collection method: clinical testing. Allele origin: germline.
Comment: The p.S521A variant (also known as c.1561T>G), located in coding exon 12 of the APC gene, results from a T to G substitution at nucleotide position 1561. The serine at codon 521 is replaced by alanine, an amino acid with similar properties. This amino acid position is highly conserved in available vertebrate species. In addition, in silico predictors for this gene do not accurately predict pathogenicity. Based on the available evidence, the clinical significance of this alteration remains unclear.